The following is an entry in ClinVar:

NM_001277115.2(DNAH11):c.3911G>A (p.Arg1304His)

Gene: DNAH11 (dynein axonemal heavy chain 11; plus strand). Cytogenetic location: 7p15.3.
Variant type: single nucleotide variant.
Coding change: c.3911G>A on transcript NM_001277115.2 (MANE Select); coding-DNA position 3911, G replaced by A.
Protein change: p.Arg1304His; replaces arginine 1304 with histidine.
Molecular consequence: missense variant.
Genome position (GRCh38, 1-based): chr7:21,615,172, G>A. VCF-style: chr7-21615172-G-A. GRCh37 (hg19) VCF-style: chr7-21654790-G-A.
Other names: short protein forms R1304H.
Identifiers: ClinVar variation 525373 (VCV000525373.5), dbSNP rs369475751, ClinGen allele CA4179822.
Genomic context (GRCh38, chr7:21,615,172, plus strand): 5'-AGGCAAATGAAGAGCTTGAGGCCTTAGAAGAAGAAATGTTGCAGATGCAAGAATCTACTC[G>A]TCTTTTTGAAGTGGCTCTTCCAGAGTACAAACAAATGAAACAGTGTCGCAAAGAAATAAA-3'
Protein context (NP_001264044.1, residues 1294-1314): EEMLQMQEST[Arg1304His]LFEVALPEYK

ClinVar aggregate classification (germline): Conflicting classifications of pathogenicity. Review status: criteria provided, conflicting classifications (1 of 4 stars). 2 submissions from 2 submitters: Uncertain significance (1); Benign (1). Last evaluated 2026-01-28.

Conditions:
DNAH11-related disorder. Also called: DNAH11-related condition.
Primary ciliary dyskinesia. Also called: Ciliary dyskinesia. Identifiers: Orphanet 244, MedGen C0008780, MONDO:0016575, HP:0012265.

Allele frequency attached by ClinVar (database versions not stated): gnomAD 0.00004 and 0.00005; TOPMed 0.00004; ESP Exome Variant Server 0.00008.
gnomAD v4.1: 65 of 1,612,956 alleles (0.004%); highest among the groups gnomAD compares: South Asian, 0.024%; 1 homozygote.

Submissions (2):

Labcorp Genetics (formerly Invitae), Labcorp
Classification: Benign for Primary ciliary dyskinesia. Last evaluated: 2026-01-28. Review status: criteria provided, single submitter. Criteria: Invitae Variant Classification Sherloc (09022015). Collection method: clinical testing. Allele origin: germline.

PreventionGenetics, part of Exact Sciences
Classification: Uncertain significance for DNAH11-related condition. Last evaluated: 2025-11-24. Review status: criteria provided, single submitter. Criteria: ACMG Guidelines, 2015. Collection method: clinical testing. Allele origin: germline.
Comment: The DNAH11 c.3911G>A variant is predicted to result in the amino acid substitution p.Arg1304His. To our knowledge, this variant has not been reported in the literature. This variant is reported in 0.029% of alleles in individuals of Latino descent in gnomAD. Although we suspect that this variant may be benign, at this time, the clinical significance of this variant is uncertain due to the absence of conclusive functional and genetic evidence.